The following is an entry in ClinVar:

NM_001256789.3(CACNA1F):c.5705G>A (p.Arg1902Gln)

Gene: CACNA1F (calcium voltage-gated channel subunit alpha1 F; minus strand). Cytogenetic location: Xp11.23.
Variant type: single nucleotide variant.
Coding change: c.5705G>A on transcript NM_001256789.3 (MANE Select); coding-DNA position 5705, G replaced by A.
Protein change: p.Arg1902Gln; replaces arginine 1902 with glutamine.
Molecular consequence: missense variant.
Genome position (GRCh38, 1-based): chrX:49,205,333, C>T on the plus strand (G>A on the coding strand, the complement: CACNA1F is on the minus strand). VCF-style: chrX-49205333-C-T. GRCh37 (hg19) VCF-style: chrX-49061793-C-T.
Other names: c.5543G>A, p.Arg1848Gln (NM_001256790.3); c.5738G>A, p.Arg1913Gln (NM_005183.4); short protein forms R1902Q, R1913Q, R1848Q.
Identifiers: ClinVar variation 1479084 (VCV001479084.8), dbSNP rs868973320, ClinGen allele CA412956540.

ClinVar aggregate classification (germline): Uncertain significance (1 of 4 stars; one submission).

Allele frequency attached by ClinVar (database versions not stated): TOPMed 0.00001; gnomAD 0.00003.
gnomAD v4.1: 18 of 1,205,172 alleles (0.0015%); highest among the groups gnomAD compares: African/African-American, 0.0071%; no homozygotes.

Submission:

Labcorp Genetics (formerly Invitae), Labcorp
Classification: Uncertain significance. Last evaluated: 2024-01-17. Review status: criteria provided, single submitter. Criteria: Invitae Variant Classification Sherloc (09022015). Collection method: clinical testing. Allele origin: germline.
Comment: This sequence change replaces arginine, which is basic and polar, with glutamine, which is neutral and polar, at codon 1913 of the CACNA1F protein (p.Arg1913Gln). This variant is not present in population databases (gnomAD no frequency). This variant has not been reported in the literature in individuals affected with CACNA1F-related conditions. ClinVar contains an entry for this variant (Variation ID: 1479084). Algorithms developed to predict the effect of missense changes on protein structure and function output the following: SIFT: "Not Available"; PolyPhen-2: "Benign"; Align-GVGD: "Not Available". The glutamine amino acid residue is found in multiple mammalian species, which suggests that this missense change does not adversely affect protein function. In summary, the available evidence is currently insufficient to determine the role of this variant in disease. Therefore, it has been classified as a Variant of Uncertain Significance.